The following is an entry in ClinVar:

ClinVar aggregate classification (germline): Uncertain significance (1 of 4 stars; one submission).

Allele frequency attached by ClinVar (database versions not stated): ExAC 0.00008; ESP Exome Variant Server 0.00008; TOPMed 0.00011; 1000 Genomes Project 30x 0.00016; 1000 Genomes Project 0.00020.

Submissions (2):

Labcorp Genetics (formerly Invitae), Labcorp
Classification: Uncertain significance. Last evaluated: 2022-06-26. Review status: criteria provided, single submitter. Criteria: Invitae Variant Classification Sherloc (09022015). Collection method: clinical testing. Allele origin: germline.
Comment: This sequence change replaces serine, which is neutral and polar, with cysteine, which is neutral and slightly polar, at codon 126 of the MRPS34 protein (p.Ser126Cys). This variant is present in population databases (rs200767849, gnomAD 0.01%). This variant has not been reported in the literature in individuals affected with MRPS34-related conditions. Algorithms developed to predict the effect of missense changes on protein structure and function are either unavailable or do not agree on the potential impact of this missense change (SIFT: "Deleterious"; PolyPhen-2: "Benign"; Align-GVGD: "Class C0"). In summary, the available evidence is currently insufficient to determine the role of this variant in disease. Therefore, it has been classified as a Variant of Uncertain Significance.

Dr. Peter K. Rogan Lab, Western University
No classification provided (evidence only). Condition: Sarcoma. Review status: no classification provided. Collection method: in vitro. Allele origin: not applicable. Functional consequence: retained intron. Not counted in ClinVar's aggregate classification.

NM_023936.2(MRPS34):c.365-9C>G

Gene: MRPS34 (mitochondrial ribosomal protein S34; minus strand). Cytogenetic location: 16p13.3.
Variant type: single nucleotide variant.
Coding change: c.365-9C>G on transcript NM_023936.2 (MANE Select); 9 bases into the intron before coding-DNA position 365, C replaced by G.
Molecular consequence: intron variant. On other transcripts: missense variant (1).
Genome position (GRCh38, 1-based): chr16:1,772,522, G>C on the plus strand (C>G on the coding strand, the complement: MRPS34 is on the minus strand). VCF-style: chr16-1772522-G-C. GRCh37 (hg19) VCF-style: chr16-1822523-G-C.
Other names: c.377C>G, p.Ser126Cys (NM_001300900.2); short protein forms S126C.
Identifiers: ClinVar variation 2194881 (VCV002194881.2), dbSNP rs200767849, ClinGen allele CA7818360.